The following is an entry in ClinVar:

NM_007294.4(BRCA1):c.5153-20C>T

Gene: BRCA1 (BRCA1 DNA repair associated; minus strand). Cytogenetic location: 17q21.31.
Variant type: single nucleotide variant.
Coding change: c.5153-20C>T on transcript NM_007294.4 (MANE Select); 20 bases into the intron before coding-DNA position 5153, C replaced by T.
Molecular consequence: intron variant.
Genome position (GRCh38, 1-based): chr17:43,063,393, G>A on the plus strand (C>T on the coding strand, the complement: BRCA1 is on the minus strand). VCF-style: chr17-43063393-G-A. GRCh37 (hg19) VCF-style: chr17-41215410-G-A.
Other names: c.1700-20C>T (NM_001408458.1, NM_001408461.1, NM_001408464.1 and 7 more transcripts); c.4262-20C>T (NM_001407967.1); c.4772-20C>T (NM_001407959.1); c.4886-20C>T (NM_001407931.1, NM_001407932.1, NM_001407928.1 and 4 more transcripts); c.5009-20C>T (NM_001407747.1, NM_001407745.1, NM_001407737.1 and 21 more transcripts); c.4769-20C>T (NM_001407962.1, NM_001407960.1); c.1340-20C>T (NM_001408512.1); c.1463-20C>T (NM_001408510.1); and 72 more.
Identifiers: ClinVar variation 865051 (VCV000865051.3), dbSNP rs2051877292, ClinGen allele CA916080088.

Conditions:
Breast-ovarian cancer, familial, susceptibility to, 1 (BROVCA1). Also called: BRCA1 Hereditary Breast and Ovarian Cancer; OVARIAN CANCER, SUSCEPTIBILITY TO. Identifiers: Orphanet 145, MedGen C2676676, MONDO:0011450, OMIM 604370. Disease mechanism: loss of function.

Submission:

Brotman Baty Institute, University of Washington
No classification provided (evidence only). Condition: Breast-ovarian cancer, familial 1. Review status: no classification provided. Collection method: in vitro. Allele origin: not applicable. Functional consequence: functionally_normal.
ClinVar note: "not provided" was previously submitted as the classification for the variant. However, the classification appeared to be based only on an observation of functional data so it was converted to no classification on 2025-07-30.